The following is an entry in ClinVar:

NM_004621.6(TRPC6):c.723G>T (p.Lys241Asn)

Gene: TRPC6 (transient receptor potential cation channel subfamily C member 6; minus strand). Cytogenetic location: 11q22.1.
Variant type: single nucleotide variant.
Coding change: c.723G>T on transcript NM_004621.6 (MANE Select); coding-DNA position 723, G replaced by T.
Protein change: p.Lys241Asn; replaces lysine 241 with asparagine.
Molecular consequence: missense variant.
Genome position (GRCh38, 1-based): chr11:101,504,246, C>A on the plus strand (G>T on the coding strand, the complement: TRPC6 is on the minus strand). VCF-style: chr11-101504246-C-A. GRCh37 (hg19) VCF-style: chr11-101374977-C-A.
Other names: c.723G>T, p.Lys241Asn (NM_001439335.1); short protein forms K241N.
Identifiers: ClinVar variation 4540414 (VCV004540414.1).

ClinVar aggregate classification (germline): Uncertain significance (1 of 4 stars; one submission).

Conditions:
Focal segmental glomerulosclerosis 2 (FSGS2). Identifiers: Orphanet 656, MedGen C1858915, MONDO:0011390, OMIM 603965.

gnomAD v4.1: 10 of 1,614,110 alleles (0.00062%); highest among the groups gnomAD compares: Non-Finnish European, 0.00085%; no homozygotes.

Submission:

MVZ Medizinische Genetik Mainz
Classification: Uncertain significance for Focal segmental glomerulosclerosis 2. Last evaluated: 2025-11-06. Review status: criteria provided, single submitter. Criteria: UK Practice Guidelines For Variant Classification V4 01 2020. Collection method: clinical testing. Allele origin: germline. Inheritance: Autosomal dominant inheritance. Affected: yes. Observed: 1 variant allele.
Comment: ACMG Criteria: PM1,PM2_SUP